The following is an entry in ClinVar:

NM_005458.8(GABBR2):c.2660+10T>G

Gene: GABBR2 (gamma-aminobutyric acid type B receptor subunit 2; minus strand). Cytogenetic location: 9q22.33.
Variant type: single nucleotide variant.
Coding change: c.2660+10T>G on transcript NM_005458.8 (MANE Select); 10 bases into the intron after coding-DNA position 2660, T replaced by G.
Molecular consequence: intron variant.
Genome position (GRCh38, 1-based): chr9:98,293,775, A>C on the plus strand (T>G on the coding strand, the complement: GABBR2 is on the minus strand). VCF-style: chr9-98293775-A-C. GRCh37 (hg19) VCF-style: chr9-101056057-A-C.
Identifiers: ClinVar variation 462135 (VCV000462135.13), dbSNP rs201116009, ClinGen allele CA5152409.

ClinVar aggregate classification (germline): Benign. Review status: criteria provided, single submitter (1 of 4 stars). 2 submissions from 2 submitters: Benign (1). 1 of the submissions does not count toward it. Last evaluated 2026-01-21.

Conditions:
GABBR2-related disorder. Also called: GABBR2-related disorders; GABBR2-related condition.
Epileptic encephalopathy. Identifiers: MedGen C0543888, HP:0200134.

Allele frequency attached by ClinVar (database versions not stated): 1000 Genomes Project 30x 0.00031; 1000 Genomes Project 0.00040; TOPMed 0.00055; gnomAD 0.00056 and 0.00060; gnomAD exomes 0.00056 and 0.00065; ExAC 0.00061; ESP Exome Variant Server 0.00077.
gnomAD v4.1: 775 of 1,354,464 alleles (0.057%); highest among the groups gnomAD compares: Non-Finnish European, 0.042%; 1 homozygote.

Submissions (2):

Labcorp Genetics (formerly Invitae), Labcorp
Classification: Benign for Epileptic encephalopathy. Last evaluated: 2026-01-21. Review status: criteria provided, single submitter. Criteria: Invitae Variant Classification Sherloc (09022015). Collection method: clinical testing. Allele origin: germline.

PreventionGenetics, part of Exact Sciences
Classification: Benign for GABBR2-related condition. Last evaluated: 2024-04-18. Review status: no assertion criteria provided. Collection method: clinical testing. Allele origin: germline. Not counted in ClinVar's aggregate classification.
Comment: This variant is classified as benign based on ACMG/AMP sequence variant interpretation guidelines (Richards et al. 2015 PMID: 25741868, with internal and published modifications).